The following is an entry in ClinVar:

NM_198428.3(BBS9):c.692A>T (p.Lys231Ile)

Gene: BBS9 (Bardet-Biedl syndrome 9; plus strand). Cytogenetic location: 7p14.3.
Variant type: single nucleotide variant.
Coding change: c.692A>T on transcript NM_198428.3 (MANE Select); coding-DNA position 692, A replaced by T.
Protein change: p.Lys231Ile; replaces lysine 231 with isoleucine.
Molecular consequence: missense variant. On other transcripts: non-coding transcript variant (3).
Genome position (GRCh38, 1-based): chr7:33,264,364, A>T. VCF-style: chr7-33264364-A-T. GRCh37 (hg19) VCF-style: chr7-33303976-A-T.
Other names: c.692A>T, p.Lys231Ile (NM_001033604.2, NM_001033605.2, NM_001348036.1 and 7 more transcripts); c.326A>T, p.Lys109Ile (NM_001348037.3, NM_001348044.3, NM_001348045.3 and 1 more transcripts); c.419A>T, p.Lys140Ile (NM_001348038.3, NM_001348039.3); c.557A>T, p.Lys186Ile (NM_001348042.3); short protein forms K140I, K186I, K109I, K231I.
Identifiers: ClinVar variation 1987746 (VCV001987746.2), dbSNP rs1025553671, ClinGen allele CA156719071.

ClinVar aggregate classification (germline): Uncertain significance (1 of 4 stars; one submission).

Conditions:
Bardet-Biedl syndrome (BBS). Identifiers: Orphanet 110, MedGen C0752166, MONDO:0015229.

Allele frequency attached by ClinVar (database versions not stated): gnomAD exomes below 0.00001.
gnomAD v4.1: 1 of 1,581,826 alleles (0.000063%); highest among the groups gnomAD compares: Non-Finnish European, 0.000086%; no homozygotes.

Submission:

Labcorp Genetics (formerly Invitae), Labcorp
Classification: Uncertain significance for Bardet-Biedl syndrome. Last evaluated: 2024-01-19. Review status: criteria provided, single submitter. Criteria: Invitae Variant Classification Sherloc (09022015). Collection method: clinical testing. Allele origin: germline.
Comment: This sequence change replaces lysine, which is basic and polar, with isoleucine, which is neutral and non-polar, at codon 231 of the BBS9 protein (p.Lys231Ile). This variant is not present in population databases (gnomAD no frequency). This variant has not been reported in the literature in individuals affected with BBS9-related conditions. ClinVar contains an entry for this variant (Variation ID: 1987746). Advanced modeling of protein sequence and biophysical properties (such as structural, functional, and spatial information, amino acid conservation, physicochemical variation, residue mobility, and thermodynamic stability) performed at Invitae indicates that this missense variant is expected to disrupt BBS9 protein function with a positive predictive value of 80%. In summary, the available evidence is currently insufficient to determine the role of this variant in disease. Therefore, it has been classified as a Variant of Uncertain Significance.